The following is an entry in ClinVar:

NM_017849.4(TMEM127):c.520G>C (p.Ala174Pro)

Gene: TMEM127 (transmembrane protein 127; minus strand). Cytogenetic location: 2q11.2.
Variant type: single nucleotide variant.
Coding change: c.520G>C on transcript NM_017849.4 (MANE Select); coding-DNA position 520, G replaced by C.
Protein change: p.Ala174Pro; replaces alanine 174 with proline.
Molecular consequence: missense variant.
Genome position (GRCh38, 1-based): chr2:96,254,005, C>G on the plus strand (G>C on the coding strand, the complement: TMEM127 is on the minus strand). VCF-style: chr2-96254005-C-G. GRCh37 (hg19) VCF-style: chr2-96919743-C-G.
Other names: c.520G>C, p.Ala174Pro (NM_001193304.3); c.268G>C, p.Ala90Pro (NM_001407282.1, NM_001407283.1); short protein forms A90P, A174P.
Identifiers: ClinVar variation 3326711 (VCV003326711.1).

ClinVar aggregate classification (germline): Uncertain significance (1 of 4 stars; one submission).

Conditions:
Hereditary cancer-predisposing syndrome. Also called: Neoplastic Syndromes, Hereditary; Tumor predisposition; Hereditary neoplastic syndrome; Hereditary Cancer Syndrome. Identifiers: Orphanet 140162, MedGen C0027672, MeSH D009386, MONDO:0015356.

Submission:

Ambry Genetics
Classification: Uncertain significance for Hereditary cancer-predisposing syndrome. Last evaluated: 2024-06-13. Review status: criteria provided, single submitter. Criteria: Ambry Variant Classification Scheme 2023. Collection method: clinical testing. Allele origin: germline.
Comment: The p.A174P variant (also known as c.520G>C), located in coding exon 3 of the TMEM127 gene, results from a G to C substitution at nucleotide position 520. The alanine at codon 174 is replaced by proline, an amino acid with highly similar properties. This amino acid position is conserved. In addition, this alteration is predicted to be deleterious by in silico analysis. Based on the available evidence, the clinical significance of this variant remains unclear.